The following is an entry in ClinVar:

ClinVar aggregate classification (germline): Benign/Likely benign. Review status: criteria provided, multiple submitters, no conflicts (2 of 4 stars). 3 submissions from 3 submitters: Benign (1); Likely benign (1). 1 of the submissions does not count toward it. Last evaluated 2025-04-30.

Conditions:
Adams-Oliver syndrome 5 (AOS5). Identifiers: Orphanet 974, MedGen C4014970, MONDO:0014459, OMIM 616028.
NOTCH1-related disorder. Also called: NOTCH1-related condition; NOTCH1-related disorders.

gnomAD v4.1: 31 of 1,611,478 alleles (0.0019%); highest among the groups gnomAD compares: Admixed American, 0.05%; no homozygotes.

Submissions (3):

Labcorp Genetics (formerly Invitae), Labcorp
Classification: Likely benign for Adams-Oliver syndrome 5. Last evaluated: 2025-04-30. Review status: criteria provided, single submitter. Criteria: Invitae Variant Classification Sherloc (09022015). Collection method: clinical testing. Allele origin: germline.

Women's Health and Genetics/Laboratory Corporation of America, LabCorp
Classification: Benign. Last evaluated: 2025-03-08. Review status: criteria provided, single submitter. Criteria: LabCorp Variant Classification Summary - May 2015. Collection method: clinical testing. Allele origin: germline.

PreventionGenetics, part of Exact Sciences
Classification: Likely benign for NOTCH1-related condition. Last evaluated: 2019-10-14. Review status: no assertion criteria provided. Collection method: clinical testing. Allele origin: germline. Not counted in ClinVar's aggregate classification.
Comment: This variant is classified as likely benign based on ACMG/AMP sequence variant interpretation guidelines (Richards et al. 2015 PMID: 25741868, with internal and published modifications).

NM_017617.5(NOTCH1):c.1903+7G>T

Gene: NOTCH1 (notch receptor 1; minus strand). Cytogenetic location: 9q34.3.
Variant type: single nucleotide variant.
Coding change: c.1903+7G>T on transcript NM_017617.5 (MANE Select); 7 bases into the intron after coding-DNA position 1903, G replaced by T.
Molecular consequence: intron variant.
Genome position (GRCh38, 1-based): chr9:136,515,476, C>A on the plus strand (G>T on the coding strand, the complement: NOTCH1 is on the minus strand). VCF-style: chr9-136515476-C-A. GRCh37 (hg19) VCF-style: chr9-139409928-C-A.
Other names: c.1903+7G>T (NM_017617.4).
Identifiers: ClinVar variation 696002 (VCV000696002.13), dbSNP rs760116150, ClinGen allele CA5341598.